The following is an entry in ClinVar:

NM_020812.4(DOCK6):c.3009C>A (p.Asp1003Glu)

Gene: DOCK6 (dedicator of cytokinesis 6; minus strand). Cytogenetic location: 19p13.2.
Variant type: single nucleotide variant.
Coding change: c.3009C>A on transcript NM_020812.4 (MANE Select); coding-DNA position 3009, C replaced by A.
Protein change: p.Asp1003Glu; replaces aspartic acid 1003 with glutamic acid.
Molecular consequence: missense variant.
Genome position (GRCh38, 1-based): chr19:11,223,053, G>T on the plus strand (C>A on the coding strand, the complement: DOCK6 is on the minus strand). VCF-style: chr19-11223053-G-T. GRCh37 (hg19) VCF-style: chr19-11333729-G-T.
Other names: c.3114C>A, p.Asp1038Glu (NM_001367830.1); short protein forms D1003E, D1038E.
Identifiers: ClinVar variation 1993751 (VCV001993751.4), dbSNP rs2513041592, ClinGen allele CA404090952.
Genomic context (GRCh38, chr19:11,223,053, plus strand): 5'-CTGCTTGTAGTGGGCCCGGACCAGGCTGAAGACAAAGCCCCGGTCCACCAGGGACAGAAG[G>T]TCACTGAGGAAGAAAGCCAGGCTGGCGTTGAGGTGCTCGGCCAGCTCCACATCCTGGGGA-3'
Protein context (NP_065863.2, residues 993-1013): LNASLAFFLS[Asp1003Glu]LLSLVDRGFV

ClinVar aggregate classification (germline): Uncertain significance (1 of 4 stars; one submission).

Submission:

Labcorp Genetics (formerly Invitae), Labcorp
Classification: Uncertain significance. Last evaluated: 2022-05-12. Review status: criteria provided, single submitter. Criteria: Invitae Variant Classification Sherloc (09022015). Collection method: clinical testing. Allele origin: germline.
Comment: This sequence change replaces aspartic acid, which is acidic and polar, with glutamic acid, which is acidic and polar, at codon 1003 of the DOCK6 protein (p.Asp1003Glu). This variant is not present in population databases (gnomAD no frequency). In summary, the available evidence is currently insufficient to determine the role of this variant in disease. Therefore, it has been classified as a Variant of Uncertain Significance. Algorithms developed to predict the effect of missense changes on protein structure and function are either unavailable or do not agree on the potential impact of this missense change (SIFT: "Deleterious"; PolyPhen-2: "Possibly Damaging"; Align-GVGD: "Class C0"). This variant has not been reported in the literature in individuals affected with DOCK6-related conditions.